The following is an entry in ClinVar:

NM_033305.3(VPS13A):c.1313C>G (p.Ser438Ter)

Gene: VPS13A (vacuolar protein sorting 13 homolog A; plus strand). Cytogenetic location: 9q21.2.
Variant type: single nucleotide variant.
Coding change: c.1313C>G on transcript NM_033305.3 (MANE Select); coding-DNA position 1313, C replaced by G.
Protein change: p.Ser438Ter; replaces serine 438 with a stop codon.
Molecular consequence: nonsense.
Genome position (GRCh38, 1-based): chr9:77,226,554, C>G. VCF-style: chr9-77226554-C-G. GRCh37 (hg19) VCF-style: chr9-79841470-C-G.
Other names: c.1313C>G, p.Ser438Ter (NM_001018037.2, NM_001018038.3, NM_015186.4); short protein forms S438*.
Identifiers: ClinVar variation 1074876 (VCV001074876.8), dbSNP rs2131195653, ClinGen allele CA373845272.

ClinVar aggregate classification (germline): Pathogenic (1 of 4 stars; one submission).

Allele frequency attached by ClinVar (database versions not stated): gnomAD exomes below 0.00001.

Submission:

Labcorp Genetics (formerly Invitae), Labcorp
Classification: Pathogenic. Last evaluated: 2020-09-02. Review status: criteria provided, single submitter. Criteria: Invitae Variant Classification Sherloc (09022015). Collection method: clinical testing. Allele origin: germline.
Comment: Loss-of-function variants in VPS13A are known to be pathogenic (PMID: 12404112, 21598378). This variant has not been reported in the literature in individuals with VPS13A-related conditions. This variant is not present in population databases (ExAC no frequency). This sequence change creates a premature translational stop signal (p.Ser438*) in the VPS13A gene. It is expected to result in an absent or disrupted protein product. For these reasons, this variant has been classified as Pathogenic.

Literature cited by the submitters: PubMed 12404112; PubMed 21598378.